The following is an entry in ClinVar:

NM_020812.4(DOCK6):c.4567G>A (p.Glu1523Lys)

Genes: DOCK6 (dedicator of cytokinesis 6; minus strand), DOCK6-AS1 (DOCK6 antisense RNA 1; plus strand). Cytogenetic location: 19p13.2.
Variant type: single nucleotide variant.
Coding change: c.4567G>A on transcript NM_020812.4 (MANE Select); coding-DNA position 4567, G replaced by A.
Protein change: p.Glu1523Lys; replaces glutamic acid 1523 with lysine.
Molecular consequence: missense variant.
Genome position (GRCh38, 1-based): chr19:11,212,076, C>T on the plus strand (G>A on the coding strand, the complement: DOCK6 is on the minus strand). VCF-style: chr19-11212076-C-T. GRCh37 (hg19) VCF-style: chr19-11322752-C-T.
Other names: c.4567G>A (NM_020812.2); c.4672G>A, p.Glu1558Lys (NM_001367830.1); short protein forms E1558K, E1523K.
Identifiers: ClinVar variation 1435516 (VCV001435516.6), dbSNP rs558828158, ClinGen allele CA9206797.

ClinVar aggregate classification (germline): Uncertain significance. Review status: criteria provided, multiple submitters, no conflicts (2 of 4 stars). 3 submissions from 3 submitters: Uncertain significance (3). Last evaluated 2025-12-08.

Conditions:
Inborn genetic diseases. Identifiers: MedGen C0950123, MeSH D030342.

Allele frequency attached by ClinVar (database versions not stated): gnomAD exomes 0.00001 and 0.00006; gnomAD 0.00002 and 0.00003; ExAC 0.00010; 1000 Genomes Project 30x 0.00016; 1000 Genomes Project 0.00020.
gnomAD v4.1: 23 of 1,612,048 alleles (0.0014%); highest among the groups gnomAD compares: East Asian, 0.031%; no homozygotes.

Submissions (3):

Ambry Genetics
Classification: Uncertain significance for Inborn genetic diseases. Last evaluated: 2025-12-08. Review status: criteria provided, single submitter. Criteria: Ambry Variant Classification Scheme 2023. Collection method: clinical testing. Allele origin: germline.

Blueprint Genetics
Classification: Uncertain significance. Last evaluated: 2024-02-12. Review status: criteria provided, single submitter. Criteria: ACMG Guidelines, 2015. Collection method: clinical testing. Allele origin: germline.

Labcorp Genetics (formerly Invitae), Labcorp
Classification: Uncertain significance. Last evaluated: 2022-06-15. Review status: criteria provided, single submitter. Criteria: Invitae Variant Classification Sherloc (09022015). Collection method: clinical testing. Allele origin: germline.
Comment: This sequence change replaces glutamic acid, which is acidic and polar, with lysine, which is basic and polar, at codon 1523 of the DOCK6 protein (p.Glu1523Lys). This variant is present in population databases (rs558828158, gnomAD 0.06%). This variant has not been reported in the literature in individuals affected with DOCK6-related conditions. Algorithms developed to predict the effect of missense changes on protein structure and function are either unavailable or do not agree on the potential impact of this missense change (SIFT: "Deleterious"; PolyPhen-2: "Benign"; Align-GVGD: "Class C0"). In summary, the available evidence is currently insufficient to determine the role of this variant in disease. Therefore, it has been classified as a Variant of Uncertain Significance.